The following is an entry in ClinVar:

NC_000016.10:g.(?_130502)_(138287_?)del

Genes: HBA-LCR (alpha-globin locus control region; plus strand), NPRL3 (NPR3 like, GATOR1 complex subunit; minus strand). Cytogenetic location: 16p13.3.
Variant type: Deletion.
Identifiers: ClinVar variation 542815 (VCV000542815.3).

ClinVar aggregate classification (germline): Pathogenic (1 of 4 stars; one submission).

Conditions:
Epilepsy, familial focal, with variable foci 3 (FFEVF3). Identifiers: MedGen C4310708, MONDO:0014925, OMIM 617118.

Submission:

Labcorp Genetics (formerly Invitae), Labcorp
Classification: Pathogenic for Epilepsy, familial focal, with variable foci 3. Last evaluated: 2019-12-02. Review status: criteria provided, single submitter. Criteria: Invitae Variant Classification Sherloc (09022015). Collection method: clinical testing. Allele origin: germline.
Comment: This variant is a gross deletion of the genomic region encompassing exons 2-3 of the NPRL3 gene, which includes the initiator codon. The 5' end of this event is unknown as it extends beyond the assayed region for this gene and therefore may encompass additional genes. The 3' boundary is likely confined to intron 3 of the NPRL3 gene. This is expected to result in an absent or disrupted protein product. This variant has not been reported in the literature in individuals with NPRL3-related disease. Loss-of-function variants in NPRL3 are known to be pathogenic (PMID: 26285051, 26505888). For these reasons, this variant has been classified as Pathogenic.